The following is an entry in ClinVar:

NM_007294.4(BRCA1):c.1888A>T (p.Asn630Tyr)

Gene: BRCA1 (BRCA1 DNA repair associated; minus strand). Cytogenetic location: 17q21.31.
Variant type: single nucleotide variant.
Coding change: c.1888A>T on transcript NM_007294.4 (MANE Select); coding-DNA position 1888, A replaced by T.
Protein change: p.Asn630Tyr; replaces asparagine 630 with tyrosine.
Molecular consequence: missense variant. On other transcripts: intron variant (137).
Genome position (GRCh38, 1-based): chr17:43,093,643, T>A on the plus strand (A>T on the coding strand, the complement: BRCA1 is on the minus strand). VCF-style: chr17-43093643-T-A. GRCh37 (hg19) VCF-style: chr17-41245660-T-A.
Other names: c.1744A>T, p.Asn582Tyr (NM_001407847.1, NM_001407848.1, NM_001407849.1 and 20 more transcripts); c.1747A>T, p.Asn583Tyr (NM_001407850.1, NM_001407851.1, NM_001407852.1 and 29 more transcripts); c.1675A>T, p.Asn559Tyr (NM_001407853.1, NM_001407894.1, NM_001407895.1 and 9 more transcripts); c.1888A>T, p.Asn630Tyr (NM_001407854.1, NM_001407858.1, NM_001407859.1 and 30 more transcripts); c.1885A>T, p.Asn629Tyr (NM_001407860.1, NM_001407861.1, NM_001407587.1 and 22 more transcripts); c.1687A>T, p.Asn563Tyr (NM_001407862.1); c.1765A>T, p.Asn589Tyr (NM_001407863.1, NM_001407919.1, NM_001407937.1 and 19 more transcripts); c.1684A>T, p.Asn562Tyr (NM_001407874.1, NM_001407875.1); and 40 more; short protein forms N583Y, N630Y, N334Y, N503Y, N560Y, N563Y, N603Y, N462Y.
Identifiers: ClinVar variation 820271 (VCV000820271.18), dbSNP rs1597873547, ClinGen allele CA10598244.
Genomic context (GRCh38, chr17:43,093,643, plus strand): 5'-TCTCTTCACTGCTAGAACAACTATCAATTTGCAATTCAGTACAATTAGGTGGGCTTAGAT[T>A]TCTACTGACTACTAGTTCAAGCGCATGAATATGCCTGGTAGAAGACTTCCTCCTCAGCCT-3'
Protein context (NP_009225.1, residues 620-640): IHALELVVSR[Asn630Tyr]LSPPNCTELQ

ClinVar aggregate classification (germline): Conflicting classifications of pathogenicity. Review status: criteria provided, conflicting classifications (1 of 4 stars). 3 submissions from 3 submitters: Uncertain significance (2); Likely benign (1). Last evaluated 2025-07-31.

Conditions:
Hereditary cancer-predisposing syndrome. Also called: Neoplastic Syndromes, Hereditary; Tumor predisposition; Hereditary Cancer Syndrome; Hereditary neoplastic syndrome. Identifiers: Orphanet 140162, MedGen C0027672, MeSH D009386, MONDO:0015356.
Hereditary breast ovarian cancer syndrome. Also called: Hereditary breast and/or ovarian cancer syndrome; BRCA1- and BRCA2-Associated Hereditary Breast and Ovarian Cancer; Hereditary breast and ovarian cancer syndrome; Hereditary breast and ovarian cancer; Hereditary breast and ovarian cancer syndrome (HBOC); Breast and ovarian cancer. Identifiers: Orphanet 145, MedGen C0677776, MeSH D061325, MONDO:0003582. Disease mechanism: loss of function.

Submissions (3):

Ambry Genetics
Classification: Uncertain significance for Hereditary cancer-predisposing syndrome. Last evaluated: 2025-07-31. Review status: criteria provided, single submitter. Criteria: Ambry Variant Classification Scheme 2023. Collection method: clinical testing. Allele origin: germline.
Comment: The p.N630Y variant (also known as c.1888A>T), located in coding exon 9 of the BRCA1 gene, results from an A to T substitution at nucleotide position 1888. The asparagine at codon 630 is replaced by tyrosine, an amino acid with dissimilar properties. This amino acid position is not well conserved in available vertebrate species. In addition, the in silico prediction for this alteration is inconclusive. Since supporting evidence is limited at this time, the clinical significance of this alteration remains unclear.

University of Washington Department of Laboratory Medicine, University of Washington
Classification: Likely benign for Hereditary cancer-predisposing syndrome. Last evaluated: 2023-03-23. Review status: criteria provided, single submitter. Criteria: Dines et al. (Genet Med. 2020). Collection method: curation. Allele origin: germline.
Comment: Missense variant in a coldspot region where missense variants are very unlikely to be pathogenic (PMID:31911673).

BRCA1 coldspot (exon 11 using historical exon numbering). Reclassification based on statistical prior probability

Labcorp Genetics (formerly Invitae), Labcorp
Classification: Uncertain significance for Hereditary breast ovarian cancer syndrome. Last evaluated: 2022-10-28. Review status: criteria provided, single submitter. Criteria: Invitae Variant Classification Sherloc (09022015). Collection method: clinical testing. Allele origin: germline.
Comment: This sequence change replaces asparagine, which is neutral and polar, with tyrosine, which is neutral and polar, at codon 630 of the BRCA1 protein (p.Asn630Tyr). This variant is not present in population databases (gnomAD no frequency). This variant has not been reported in the literature in individuals affected with BRCA1-related conditions. ClinVar contains an entry for this variant (Variation ID: 820271). Advanced modeling of protein sequence and biophysical properties (such as structural, functional, and spatial information, amino acid conservation, physicochemical variation, residue mobility, and thermodynamic stability) performed at Invitae indicates that this missense variant is not expected to disrupt BRCA1 protein function. In summary, the available evidence is currently insufficient to determine the role of this variant in disease. Therefore, it has been classified as a Variant of Uncertain Significance.